The following is an entry in ClinVar:

ClinVar aggregate classification (germline): Pathogenic (1 of 4 stars; one submission).

Conditions:
Hyperekplexia 3 (HKPX3). Also called: HYPEREKPLEXIA 3, AUTOSOMAL RECESSIVE; HYPEREKPLEXIA 3, AUTOSOMAL DOMINANT. Identifiers: Orphanet 3197, MedGen C3553288, MONDO:0013827, OMIM 614618.

Submission:

Labcorp Genetics (formerly Invitae), Labcorp
Classification: Pathogenic for Hyperekplexia 3. Last evaluated: 2022-07-11. Review status: criteria provided, single submitter. Criteria: Invitae Variant Classification Sherloc (09022015). Collection method: clinical testing. Allele origin: germline.
Comment: This sequence change creates a premature translational stop signal (p.Gly115Alafs*20) in the SLC6A5 gene. It is expected to result in an absent or disrupted protein product. Loss-of-function variants in SLC6A5 are known to be pathogenic (PMID: 14622583, 16751771, 22700964). For these reasons, this variant has been classified as Pathogenic. This variant has not been reported in the literature in individuals affected with SLC6A5-related conditions. This variant is not present in population databases (gnomAD no frequency).

Literature cited by the submitters: PubMed 14622583; PubMed 16751771; PubMed 22700964.

NM_004211.5(SLC6A5):c.342del (p.Gly115fs)

Gene: SLC6A5 (solute carrier family 6 member 5; plus strand). Cytogenetic location: 11p15.1.
Variant type: Deletion.
Coding change: c.342del on transcript NM_004211.5 (MANE Select); coding-DNA position 342, one base deleted (C; older notation c.342delC).
Protein change: p.Gly115fs; shifts the reading frame from glycine 115.
Molecular consequence: frameshift variant. On other transcripts: 5 prime UTR variant (1).
Genome position (GRCh38, 1-based): chr11:20,601,467, C deleted; the last of 3 consecutive C bases (chr11:20,601,465-20,601,467); deleting any one gives the same sequence. VCF-style (leftmost placement, unchanged base first): chr11-20601464-GC-G. GRCh37 (hg19) VCF-style: chr11-20623010-GC-G.
Other names: c.-222del (NM_001318369.2); short protein forms G115fs.
Identifiers: ClinVar variation 2015912 (VCV002015912.4), dbSNP rs1852475495, ClinGen allele CA1956606835.